The following is an entry in ClinVar:

ClinVar aggregate classification (germline): Conflicting classifications of pathogenicity. Review status: criteria provided, conflicting classifications (1 of 4 stars). 4 submissions from 4 submitters: Uncertain significance (1); Likely benign (2). 1 of the submissions does not count toward it. Last evaluated 2026-01-03.

Conditions:
Hypogonadotropic hypogonadism. Also called: Low gonadotropins (secondary hypogonadism); Hypogonadotropic hypogonadism with or without anosmia; Hypogonadotrophic hypogonadism; Isolated hypogonadotropic hypogonadism. Identifiers: Orphanet 432, MedGen C0271623, MONDO:0018555, HP:0000044.
KLB-related disorder. Also called: KLB-related condition.

Submissions (4):

Labcorp Genetics (formerly Invitae), Labcorp
Classification: Likely benign. Last evaluated: 2026-01-03. Review status: criteria provided, single submitter. Criteria: Invitae Variant Classification Sherloc (09022015). Collection method: clinical testing. Allele origin: germline.

Cambridge Genomics Laboratory, East Genomic Laboratory Hub, NHS Genomic Medicine Service
Classification: Likely benign for Hypogonadotropic hypogonadism. Last evaluated: 2025-06-11. Review status: criteria provided, single submitter. Criteria: ACGS Best Practice Guidelines for Variant Classification in Rare Disease 2020. Collection method: clinical testing. Allele origin: germline. Affected: yes.
Comment: PS3_Supporting,PM4_Supporting,BS1_Strong

Eurofins Ntd Llc (ga)
Classification: Uncertain significance. Last evaluated: 2018-07-27. Review status: criteria provided, single submitter. Criteria: EGL ClinVar v180209 classification definitions. Collection method: clinical testing. Allele origin: germline. Observed: 1 variant allele, 1 heterozygote.

PreventionGenetics, part of Exact Sciences
Classification: Likely benign for KLB-related condition. Last evaluated: 2022-04-19. Review status: no assertion criteria provided. Collection method: clinical testing. Allele origin: germline. Not counted in ClinVar's aggregate classification.
Comment: This variant is classified as likely benign based on ACMG/AMP sequence variant interpretation guidelines (Richards et al. 2015 PMID: 25741868, with internal and published modifications).

NM_175737.4(KLB):c.2329_2331del (p.Phe777del)

Gene: KLB (klotho beta; plus strand). Cytogenetic location: 4p14.
Variant type: Deletion.
Coding change: c.2329_2331del on transcript NM_175737.4 (MANE Select); coding-DNA positions 2329 to 2331, 3 bases deleted (TTC; older notation c.2329_2331delTTC).
Protein change: p.Phe777del; deletes phenylalanine 777.
Molecular consequence: inframe deletion.
Genome position (GRCh38, 1-based): chr4:39,447,055-39,447,057, TTC deleted; deleting any 3 consecutive bases within chr4:39,447,053-39,447,057 gives the same sequence; the c. name uses the placement nearest the transcript's 3' end. VCF-style (leftmost placement, unchanged base first): chr4-39447052-CTCT-C. GRCh37 (hg19) VCF-style: chr4-39448672-CTCT-C.
Other names: c.2329_2331delTTC (NM_175737.3); short protein forms F777del.
Identifiers: ClinVar variation 598141 (VCV000598141.15), dbSNP rs549659598, ClinGen allele CA2893986.
Genomic context (GRCh38, chr4:39,447,052, plus strand): 5'-TCGCACTGGAGGGCGGCCGAGCGCTTCCTGCAGTTCGAGATCGCCTGGTTCGCCGAGCCG[CTCT>C]TCAAGACCGGGGACTACCCCGCGGCCATGAGGGAATACATTGCCTCCAAGCACCGACGGG-3'